The following is an entry in ClinVar:

ClinVar aggregate classification (germline): Pathogenic (0 of 4 stars; one submission).

Conditions:
Autosomal recessive nonsyndromic hearing loss 9. Also called: NEUROSENSORY NONSYNDROMIC RECESSIVE DEAFNESS 9; OTOF-Related Hearing Loss; AUDITORY NEUROPATHY, AUTOSOMAL RECESSIVE, 1, TEMPERATURE-SENSITIVE; Deafness, autosomal recessive 9. Identifiers: Orphanet 90636, MedGen C1832828, MONDO:0010986, OMIM 601071.

Submission:

GeneReviews
Classification: Pathogenic for OTOF-Related Deafness. Last evaluated: 2011-04-26. Review status: no assertion criteria provided. Collection method: curation. Allele origin: unknown.
ClinVar note: Converted during submission from pathologic to Pathogenic.

NM_194248.1:c.2295_2297delG

Gene: OTOF (otoferlin; minus strand). Cytogenetic location: 2p23.3.
Variant type: Deletion.
Identifiers: ClinVar variation 65788 (VCV000065788.3).